The following is an entry in ClinVar:

ClinVar aggregate classification (germline): Uncertain significance. Review status: criteria provided, multiple submitters, no conflicts (2 of 4 stars). 2 submissions from 2 submitters: Uncertain significance (2). Last evaluated 2025-04-08.

Conditions:
Familial cancer of breast. Also called: hereditary breast carcinoma; Hereditary breast cancer; BREAST CANCER, FAMILIAL. Identifiers: Orphanet 227535, MedGen C0346153, MONDO:0016419, OMIM 114480. Disease mechanism: loss of function.
Hereditary cancer-predisposing syndrome. Also called: Neoplastic Syndromes, Hereditary; Tumor predisposition; Hereditary Cancer Syndrome; Hereditary neoplastic syndrome. Identifiers: Orphanet 140162, MedGen C0027672, MeSH D009386, MONDO:0015356.

Submissions (2):

Labcorp Genetics (formerly Invitae), Labcorp
Classification: Uncertain significance for Familial cancer of breast. Last evaluated: 2025-04-08. Review status: criteria provided, single submitter. Criteria: Invitae Variant Classification Sherloc (09022015). Collection method: clinical testing. Allele origin: germline.
Comment: This sequence change replaces threonine, which is neutral and polar, with isoleucine, which is neutral and non-polar, at codon 172 of the CHEK2 protein (p.Thr172Ile). This variant is not present in population databases (gnomAD no frequency). This variant has not been reported in the literature in individuals affected with CHEK2-related conditions. ClinVar contains an entry for this variant (Variation ID: 650503). An algorithm developed to predict the effect of missense changes on protein structure and function (PolyPhen-2) suggests that this variant is likely to be tolerated. In summary, the available evidence is currently insufficient to determine the role of this variant in disease. Therefore, it has been classified as a Variant of Uncertain Significance.

Ambry Genetics
Classification: Uncertain significance for Hereditary cancer-predisposing syndrome. Last evaluated: 2023-07-03. Review status: criteria provided, single submitter. Criteria: Ambry Variant Classification Scheme 2023. Collection method: clinical testing. Allele origin: germline.
Comment: The p.T172I variant (also known as c.515C>T), located in coding exon 3 of the CHEK2 gene, results from a C to T substitution at nucleotide position 515. The threonine at codon 172 is replaced by isoleucine, an amino acid with similar properties. This variant was reported in 0/60,466 breast cancer cases and in 1/53,461 controls (Dorling et al. N Engl J Med. 2021 02;384:428-439). This amino acid position is poorly conserved in available vertebrate species. In addition, this alteration is predicted to be tolerated by in silico analysis. Since supporting evidence is limited at this time, the clinical significance of this alteration remains unclear.

Literature cited by the submitters: PubMed 33471991 (cited by Ambry Genetics).

NM_007194.4(CHEK2):c.515C>T (p.Thr172Ile)

Gene: CHEK2 (checkpoint kinase 2; minus strand). Cytogenetic location: 22q12.1.
Variant type: single nucleotide variant.
Coding change: c.515C>T on transcript NM_007194.4 (MANE Select); coding-DNA position 515, C replaced by T.
Protein change: p.Thr172Ile; replaces threonine 172 with isoleucine.
Molecular consequence: missense variant. On other transcripts: 5 prime UTR variant (2), intron variant (1).
Genome position (GRCh38, 1-based): chr22:28,725,054, G>A on the plus strand (C>T on the coding strand, the complement: CHEK2 is on the minus strand). VCF-style: chr22-28725054-G-A. GRCh37 (hg19) VCF-style: chr22-29121042-G-A.
Other names: c.644C>T, p.Thr215Ile (NM_001005735.3, NM_001438294.1); c.-263C>T (NM_001257387.3); c.-149C>T (NM_001437942.1); c.608C>T, p.Thr203Ile (NM_001438293.1, NM_001438295.1); c.515C>T, p.Thr172Ile (NM_145862.3); c.445-131C>T (NM_001349956.3); short protein forms T172I, T215I, T203I.
Identifiers: ClinVar variation 650503 (VCV000650503.16), dbSNP rs1601823529, ClinGen allele CA411107367.